The following continues an entry in ClinVar:

NM_000112.4(SLC26A2):c.532C>T (p.Arg178Ter)

Gene: SLC26A2. ClinVar aggregate classification (germline): Pathogenic. Pathogenic (19).

Submissions 14 to 28 of 28:

Myriad Genetics, Inc.
Classification: Pathogenic for Achondrogenesis, type IB. Last evaluated: 2019-12-11. Review status: criteria provided, single submitter. Criteria: Myriad Women's Health Autosomal Recessive and X-Linked Classification Criteria (2019). Collection method: clinical testing. Allele origin: unknown.
Comment: NM_000112.3(SLC26A2):c.532C>T(R178*) is classified as pathogenic in the context of SLC26A2-related disorders and is associated with Achondrogenesis Type 1B. Sources cited for classification include the following: PMID 11448940, 21155763 and 8528239. Classification of NM_000112.3(SLC26A2):c.532C>T(R178*) is based on the following criteria: The variant causes a premature termination codon that is expected to be targeted by nonsense-mediated mRNA decay and is reported in individuals with the relevant phenotype. Please note: this variant was assessed in the context of healthy population screening.â€šÃ„Ã¶âˆšÃ‘âˆšÂ£

Myriad Genetics, Inc.
Classification: Pathogenic for 3MC syndrome 2. Last evaluated: 2019-12-11. Review status: criteria provided, single submitter. Criteria: Myriad Women's Health Autosomal Recessive and X-Linked Classification Criteria (2019). Collection method: clinical testing. Allele origin: unknown.
Comment: NM_000112.3(SLC26A2):c.532C>T(R178*) is classified as pathogenic in the context of SLC26A2-related disorders and is associated with Achondrogenesis Type 1B. Sources cited for classification include the following: PMID 11448940, 21155763 and 8528239. Classification of NM_000112.3(SLC26A2):c.532C>T(R178*) is based on the following criteria: The variant causes a premature termination codon that is expected to be targeted by nonsense-mediated mRNA decay and is reported in individuals with the relevant phenotype. Please note: this variant was assessed in the context of healthy population screening.

Illumina Laboratory Services, Illumina
Classification: Pathogenic for SLC26A2-Related Disorders. Last evaluated: 2018-10-19. Review status: criteria provided, single submitter. Criteria: ICSL Variant Classification Criteria 09 May 2019. Collection method: clinical testing. Allele origin: germline.
Comment: The SLC26A2 c.532C>T (p.Arg178Ter) variant is a stop-gained variant. Across a selection of literature, the p.Arg178Ter variant has been reported in a compound heterozygous state in at least 13 probands (Superti-Furga 1996; MacÃ­as-GÃ³mez et al. 2004; Panzer et al. 2008; Barbosa et al. 2011; Mattos et al. 2014). In at least one family an unaffected father was heterozygous for this variant. The p.Arg178Ter variant was absent from at least 200 controls, but is reported at a frequency of 0.00029 in the Latino population from the Genome Aggregation Database. In Xenopus oocytes, the p.Arg178Ter variant was shown to have significantly reduced (<10%) sulfate transport compared to wildtype, and similar findings were noted in HEK-293 cells (Karniski et al. 2001; Karniski et al. 2004). Based on the collective evidence, the p.Arg178Ter variant is classified as pathogenic for SLC26A2-related disorders. This variant was observed by ICSL as part of a predisposition screen in an ostensibly healthy population.

Women's Health and Genetics/Laboratory Corporation of America, LabCorp
Classification: Pathogenic for Osteochondrodysplasia. Last evaluated: 2017-02-02. Review status: criteria provided, single submitter. Criteria: LabCorp Variant Classification Summary - May 2015. Collection method: clinical testing. Allele origin: germline.
Comment: Variant summary: The SLC26A2 c.532C>T (p.Arg178X) variant results in a premature termination codon, predicted to cause a truncated or absent SLC26A2 protein due to nonsense mediated decay, which are commonly known mechanisms for disease. Truncations downstream of this position have been classified as pathogenic by our laboratory (e.g.c.1724delA). One in silico tool predicts a damaging outcome for this variant, which has been confirmed by at least one functional study (Karniski_2004). This variant was found in 13/120994 control chromosomes at a frequency of 0.0001074, which does not exceed the estimated maximal expected allele frequency of a pathogenic SLC26A2 variant (0.002958). This variant has been reported in multiple STRO patients. In addition, multiple clinical diagnostic laboratories/reputable databases classified this variant as pathogenic. Taken together, this variant is classified as pathogenic.

Eurofins Ntd Llc (ga)
Classification: Pathogenic. Last evaluated: 2014-10-14. Review status: criteria provided, single submitter. Criteria: EGL Classification Definitions 2015. Collection method: clinical testing. Allele origin: germline. Observed: 1 variant allele, 1 heterozygote.

Diagnostics Division, CENTRE FOR DNA FINGERPRINTING AND DIAGNOSTICS
Classification: Pathogenic for Achondrogenesis, type IB. Review status: criteria provided, single submitter. Criteria: ACMG Guidelines, 2015. Collection method: research. Allele origin: germline. Inheritance: Autosomal recessive inheritance. Affected: yes. Observed: 1 homozygote.

PreventionGenetics, part of Exact Sciences
Classification: Pathogenic for SLC26A2-related condition. Last evaluated: 2024-03-11. Review status: no assertion criteria provided. Collection method: clinical testing. Allele origin: germline. Not counted in ClinVar's aggregate classification.
Comment: The SLC26A2 c.532C>T variant is predicted to result in premature protein termination (p.Arg178*). This variant is one of the most common pathogenic changes in the SLC26A2 gene, and has been documented in multiple affected individuals (Barbosa et al. 2011. PubMed ID: 21155763). When detected in the compound heterozygous or homozygous states, it is reported in patients with severe SLC26A2 associated phenotypes of achondrogenesis type IB, diastrophic dysplasia, and atelosteogenesis type 2 (Superti-Furga et al.1996. PubMed ID: 8528239; Panzer et al. 2008. PubMed ID: 18925670). Functional studies support the pathogenicity of this change (Karniski. 2001. PubMed ID: 11448940). This variant is reported in 0.028% of alleles in individuals of Latino descent in gnomAD. This variant is interpreted as pathogenic.

Institute of Medical Genetics and Genomics, Sir Ganga Ram Hospital
Classification: Pathogenic for Atelosteogenesis type II. Last evaluated: 2021-11-17. Review status: no assertion criteria provided. Collection method: clinical testing. Allele origin: germline. Inheritance: Autosomal recessive inheritance. Affected: yes. Observed: 1 compound heterozygote. Not counted in ClinVar's aggregate classification.
Comment: In our study this variant is present in compound heterozygous state with another mis-sense variant-c.1382C>T (p.A461V). The allele frequency-0.0131% in gnomAD (Aggregated) database and not reported in 1000g till date. Atelosteogenesis II is an autosomal recessive disorder and can be caused by homozygous or compound heterozygous mutations. Based on phenotypic observation and available literature, we classify this variant as pathogenic.

Counsyl
Classification: Pathogenic for Atelosteogenesis type II. Last evaluated: 2016-02-19. Review status: no assertion criteria provided. Collection method: clinical testing. Allele origin: unknown. Not counted in ClinVar's aggregate classification.

OMIM
Classification: Pathogenic for DIASTROPHIC DYSPLASIA. Last evaluated: 2008-11-15. Review status: no assertion criteria provided. Collection method: literature only. Allele origin: germline. Not counted in ClinVar's aggregate classification.

OMIM
Classification: Pathogenic for ACHONDROGENESIS, TYPE IB. Last evaluated: 2008-11-15. Review status: no assertion criteria provided. Collection method: literature only. Allele origin: germline. Not counted in ClinVar's aggregate classification.

Clinical Genetics DNA and cytogenetics Diagnostics Lab, Erasmus MC, Erasmus Medical Center
Classification: Pathogenic. Review status: no assertion criteria provided. Collection method: clinical testing. Allele origin: germline. Affected: yes. Study: VKGL Data-share Consensus. Not counted in ClinVar's aggregate classification.

GeneReviews
No classification provided. Condition: Diastrophic dysplasia. Review status: no classification provided. Collection method: literature only. Allele origin: unknown. Not counted in ClinVar's aggregate classification.

Joint Genome Diagnostic Labs from Nijmegen and Maastricht, Radboudumc and MUMC+
Classification: Pathogenic. Review status: no assertion criteria provided. Collection method: clinical testing. Allele origin: germline. Affected: yes. Study: VKGL Data-share Consensus. Not counted in ClinVar's aggregate classification.

Laboratory of Diagnostic Genome Analysis, Leiden University Medical Center (LUMC)
Classification: Likely pathogenic. Review status: no assertion criteria provided. Collection method: clinical testing. Allele origin: germline. Affected: yes. Study: VKGL Data-share Consensus. Not counted in ClinVar's aggregate classification.

Literature cited by the submitters: PubMed 15294877 (cited by 5 submitters); PubMed 11448940 (cited by 6 submitters); PubMed 8528239 (cited by 8 submitters); PubMed 21155763 (cited by 9 submitters); PubMed 18925670 (cited by 6 submitters); PubMed 7923357 (cited by Labcorp Genetics (formerly Invitae), Labcorp); PubMed 10482955 (cited by Labcorp Genetics (formerly Invitae), Labcorp); PubMed 11241838 (cited by 3 submitters); PubMed 15316973 (cited by 6 submitters); PubMed 20301524 (cited by 3 submitters); NCBI Bookshelf NBK1350 (cited by GeneReviews).